The following is an entry in ClinVar:

ClinVar aggregate classification (germline): Uncertain significance (1 of 4 stars; one submission).

Allele frequency attached by ClinVar (database versions not stated): gnomAD exomes below 0.00001; TOPMed 0.00001.
gnomAD v4.1: 6 of 1,613,954 alleles (0.00037%); highest among the groups gnomAD compares: Middle Eastern, 0.016%; no homozygotes.

Submission:

Labcorp Genetics (formerly Invitae), Labcorp
Classification: Uncertain significance. Last evaluated: 2024-06-03. Review status: criteria provided, single submitter. Criteria: Invitae Variant Classification Sherloc (09022015). Collection method: clinical testing. Allele origin: germline.
Comment: This sequence change replaces serine, which is neutral and polar, with glycine, which is neutral and non-polar, at codon 3800 of the VPS13D protein (p.Ser3800Gly). This variant is present in population databases (no rsID available, gnomAD 0.006%). This variant has not been reported in the literature in individuals affected with VPS13D-related conditions. ClinVar contains an entry for this variant (Variation ID: 1930074). Advanced modeling of protein sequence and biophysical properties (such as structural, functional, and spatial information, amino acid conservation, physicochemical variation, residue mobility, and thermodynamic stability) performed at Invitae indicates that this missense variant is not expected to disrupt VPS13D protein function with a negative predictive value of 80%. In summary, the available evidence is currently insufficient to determine the role of this variant in disease. Therefore, it has been classified as a Variant of Uncertain Significance.

NM_015378.4(VPS13D):c.11398A>G (p.Ser3800Gly)

Gene: VPS13D (vacuolar protein sorting 13 homolog D; plus strand). Cytogenetic location: 1p36.22.
Variant type: single nucleotide variant.
Coding change: c.11398A>G on transcript NM_015378.4 (MANE Select); coding-DNA position 11398, A replaced by G.
Protein change: p.Ser3800Gly; replaces serine 3800 with glycine.
Molecular consequence: missense variant.
Genome position (GRCh38, 1-based): chr1:12,385,287, A>G. VCF-style: chr1-12385287-A-G. GRCh37 (hg19) VCF-style: chr1-12445346-A-G.
Other names: c.11323A>G, p.Ser3775Gly (NM_018156.4); short protein forms S3800G, S3775G.
Identifiers: ClinVar variation 1930074 (VCV001930074.5), dbSNP rs1255189917, ClinGen allele CA338501518.